The following is an entry in ClinVar:

ClinVar aggregate classification (germline): Conflicting classifications of pathogenicity. Review status: criteria provided, conflicting classifications (1 of 4 stars). 5 submissions from 5 submitters: Uncertain significance (4); Likely benign (1). Last evaluated 2025-09-23.

Conditions:
Hereditary cancer-predisposing syndrome. Also called: Hereditary neoplastic syndrome; Tumor predisposition; Neoplastic Syndromes, Hereditary; Hereditary Cancer Syndrome. Identifiers: Orphanet 140162, MedGen C0027672, MeSH D009386, MONDO:0015356.
Familial adenomatous polyposis 1 (FAP1). Also called: POLYPOSIS, ADENOMATOUS INTESTINAL; FAMILIAL ADENOMATOUS POLYPOSIS 1, ATTENUATED. Identifiers: MedGen C2713442, MONDO:0021056, OMIM 175100. Disease mechanism: loss of function.
Classic or attenuated familial adenomatous polyposis. Identifiers: MedGen CN372698, MONDO:0021057.

Allele frequency attached by ClinVar (database versions not stated): gnomAD exomes below 0.00001.
gnomAD v4.1: 4 of 1,613,378 alleles (0.00025%); highest among the groups gnomAD compares: Non-Finnish European, 0.00034%; no homozygotes.

Submissions (5):

Color Diagnostics, LLC DBA Color Health
Classification: Uncertain significance for Hereditary cancer-predisposing syndrome. Last evaluated: 2025-09-23. Review status: criteria provided, single submitter. Criteria: ACMG Guidelines, 2015. Collection method: clinical testing. Allele origin: germline.
Comment: This missense variant replaces glycine with serine at codon 2407 of the APC protein. Computational prediction suggests that this variant may not impact protein structure and function. APC is defined as a gene for which primarily truncating variants are known to cause disease (ClinGen HCCP VCEP). To our knowledge, functional studies have not been reported for this variant. This variant has not been reported in individuals affected with APC-related disorders in the literature. This variant has not been identified in the general population by the Genome Aggregation Database (gnomAD). The available evidence is insufficient to determine the role of this variant in disease conclusively. Therefore, this variant is classified as a Variant of Uncertain Significance.

Labcorp Genetics (formerly Invitae), Labcorp
Classification: Uncertain significance for Familial adenomatous polyposis 1. Last evaluated: 2024-11-04. Review status: criteria provided, single submitter. Criteria: Invitae Variant Classification Sherloc (09022015). Collection method: clinical testing. Allele origin: germline.
Comment: This sequence change replaces glycine, which is neutral and non-polar, with serine, which is neutral and polar, at codon 2407 of the APC protein (p.Gly2407Ser). This variant is not present in population databases (gnomAD no frequency). This variant has not been reported in the literature in individuals affected with APC-related conditions. ClinVar contains an entry for this variant (Variation ID: 571210). Invitae Evidence Modeling of protein sequence and biophysical properties (such as structural, functional, and spatial information, amino acid conservation, physicochemical variation, residue mobility, and thermodynamic stability) indicates that this missense variant is not expected to disrupt APC protein function with a negative predictive value of 95%. In summary, the available evidence is currently insufficient to determine the role of this variant in disease. Therefore, it has been classified as a Variant of Uncertain Significance.

All of Us Research Program, National Institutes of Health
Classification: Uncertain significance for Classic or attenuated familial adenomatous polyposis. Last evaluated: 2023-04-03. Review status: criteria provided, single submitter. Criteria: ACMG Guidelines, 2015. Collection method: clinical testing. Allele origin: germline. Inheritance: Autosomal dominant inheritance. Observed: 1 variant allele, 1 heterozygote.
Comment: This missense variant replaces glycine with serine at codon 2407 of the APC protein. Computational prediction suggests that this variant may not impact protein structure and function (internally defined REVEL score threshold <= 0.5, PMID: 27666373). Splice site prediction tools suggest that this variant may not impact RNA splicing. To our knowledge, functional studies have not been performed for this variant. This variant has not been reported in individuals affected with hereditary cancer in the literature. This variant has not been identified in the general population by the Genome Aggregation Database (gnomAD). The available evidence is insufficient to determine the role of this variant in disease conclusively. Therefore, this variant is classified as a Variant of Uncertain Significance.

This study involves interpretation of variants in research participants for the purpose of population health screening. Participant phenotype was not available at the time of variant classification. Additional details can be found in publication PMID: 35346344, PMCID: PMC8962531

Ambry Genetics
Classification: Likely benign for Hereditary cancer-predisposing syndrome. Last evaluated: 2020-08-19. Review status: criteria provided, single submitter. Criteria: Ambry Variant Classification Scheme 2023. Collection method: clinical testing. Allele origin: germline.

GeneDx
Classification: Uncertain significance. Last evaluated: 2019-04-17. Review status: criteria provided, single submitter. Criteria: GeneDx Variant Classification Process June 2021. Collection method: clinical testing. Allele origin: germline. Affected: yes.
Comment: Not observed in large population cohorts (Lek et al., 2016); Has not been previously published as pathogenic or benign to our knowledge

NM_000038.6(APC):c.7219G>A (p.Gly2407Ser)

Gene: APC (APC regulator of Wnt signaling pathway; plus strand). Cytogenetic location: 5q22.2.
Variant type: single nucleotide variant.
Coding change: c.7219G>A on transcript NM_000038.6 (MANE Select); coding-DNA position 7219, G replaced by A.
Protein change: p.Gly2407Ser; replaces glycine 2407 with serine.
Molecular consequence: missense variant.
Genome position (GRCh38, 1-based): chr5:112,842,813, G>A. VCF-style: chr5-112842813-G-A. GRCh37 (hg19) VCF-style: chr5-112178510-G-A.
Other names: c.7219G>A, p.Gly2407Ser (NM_001127510.3, NM_001354895.2); c.7165G>A, p.Gly2389Ser (NM_001127511.3); c.7273G>A, p.Gly2425Ser (NM_001354896.2); c.7249G>A, p.Gly2417Ser (NM_001354897.2); c.7144G>A, p.Gly2382Ser (NM_001354898.2); c.7135G>A, p.Gly2379Ser (NM_001354899.2); c.7096G>A, p.Gly2366Ser (NM_001354900.2); c.7042G>A, p.Gly2348Ser (NM_001354901.2); and 5 more; short protein forms G2407S, G2389S, G2366S, G2124S, G2247S, G2306S, G2417S, G2425S.
Identifiers: ClinVar variation 571210 (VCV000571210.23), dbSNP rs1561613753, ClinGen allele CA16037054.